The following is an entry in ClinVar:

NM_033380.3(COL4A5):c.3756del (p.Asn1253fs)

Gene: COL4A5 (collagen type IV alpha 5 chain; plus strand). Cytogenetic location: Xq22.3.
Variant type: Deletion.
Coding change: c.3756del on transcript NM_033380.3 (MANE Select); coding-DNA position 3756, one base deleted (C; older notation c.3756delC).
Protein change: p.Asn1253fs; shifts the reading frame from asparagine 1253.
Molecular consequence: frameshift variant.
Genome position (GRCh38, 1-based): chrX:108,668,470, C deleted. VCF-style (leftmost placement, unchanged base first): chrX-108668469-GC-G. GRCh37 (hg19) VCF-style: chrX-107911699-GC-G.
Other names: c.3756del, p.Asn1253fs (NM_000495.5); short protein forms N1253fs.
Identifiers: ClinVar variation 5012489 (VCV005012489.1).

ClinVar aggregate classification (germline): Pathogenic (1 of 4 stars; one submission).

Conditions:
X-linked Alport syndrome (ATS1). Also called: COL4A5-Related Nephropathy; NEPHROPATHY AND DEAFNESS, X-LINKED. Identifiers: Orphanet 63, Orphanet 88917, MedGen C4746986, MONDO:0010520, OMIM 301050.

Submission:

Myriad Genetics, Inc.
Classification: Pathogenic for X-linked Alport syndrome. Last evaluated: 2023-11-16. Review status: criteria provided, single submitter. Criteria: Myriad Autosomal Dominant, Autosomal Recessive and X-Linked Classification Criteria (2023). Collection method: clinical testing. Allele origin: unknown.
Comment: NM_000495.4(COL4A5):c.3756delC(N1253Tfs*46) is expected to be pathogenic in the context of X-linked Alport syndrome. This variant is predicted to lead to an abnormal or absent protein product due to the creation of a premature termination codon in COL4A5, a gene where loss-of-function variants are known to be pathogenic. Please note: this variant was assessed in the context of healthy population screening.